The following is an entry in ClinVar:

ClinVar aggregate classification (germline): Uncertain significance (1 of 4 stars; one submission).

Conditions:
Episodic ataxia type 2 (EA2). Also called: ATAXIA, EPISODIC, WITH NYSTAGMUS; ATAXIA, FAMILIAL PAROXYSMAL; CEREBELLAR ATAXIA, PAROXYSMAL, ACETAZOLAMIDE-RESPONSIVE; CEREBELLOPATHY, HEREDITARY PAROXYSMAL; EPISODIC ATAXIA, NYSTAGMUS-ASSOCIATED; ACETAZOLAMIDE-RESPONSIVE HEREDITARY PAROXYSMAL CEREBELLAR ATAXIA. Identifiers: Orphanet 97, MedGen C1720416, MONDO:0007163, OMIM 108500.
Developmental and epileptic encephalopathy, 42 (DEE42A). Also called: DEVELOPMENTAL AND EPILEPTIC ENCEPHALOPATHY 42A; EPILEPTIC ENCEPHALOPATHY, EARLY INFANTILE, 42A; Epileptic encephalopathy, early infantile, 42. Identifiers: MedGen C4310716, MONDO:0014917, OMIM 617106.

Submission:

Labcorp Genetics (formerly Invitae), Labcorp
Classification: Uncertain significance for Developmental and epileptic encephalopathy, 42; Episodic ataxia type 2. Last evaluated: 2022-05-07. Review status: criteria provided, single submitter. Criteria: Invitae Variant Classification Sherloc (09022015). Collection method: clinical testing. Allele origin: germline.
Comment: In summary, the available evidence is currently insufficient to determine the role of this variant in disease. Therefore, it has been classified as a Variant of Uncertain Significance. Advanced modeling of protein sequence and biophysical properties (such as structural, functional, and spatial information, amino acid conservation, physicochemical variation, residue mobility, and thermodynamic stability) performed at Invitae indicates that this missense variant is not expected to disrupt CACNA1A protein function. This variant has not been reported in the literature in individuals affected with CACNA1A-related conditions. This variant is not present in population databases (gnomAD no frequency). This sequence change replaces serine, which is neutral and polar, with cysteine, which is neutral and slightly polar, at codon 945 of the CACNA1A protein (p.Ser945Cys).

NM_001127222.2(CACNA1A):c.2830A>T (p.Ser944Cys)

Gene: CACNA1A (calcium voltage-gated channel subunit alpha1 A; minus strand). Cytogenetic location: 19p13.13.
Variant type: single nucleotide variant.
Coding change: c.2830A>T on transcript NM_001127222.2 (MANE Select); coding-DNA position 2830, A replaced by T.
Protein change: p.Ser944Cys; replaces serine 944 with cysteine.
Molecular consequence: missense variant.
Genome position (GRCh38, 1-based): chr19:13,298,803, T>A on the plus strand (A>T on the coding strand, the complement: CACNA1A is on the minus strand). VCF-style: chr19-13298803-T-A. GRCh37 (hg19) VCF-style: chr19-13409617-T-A.
Other names: c.2842A>T, p.Ser948Cys (NM_000068.4, NM_023035.3); c.2833A>T, p.Ser945Cys (NM_001127221.2, NM_001174080.2); short protein forms S945C, S948C, S944C.
Identifiers: ClinVar variation 1904662 (VCV001904662.5), dbSNP rs2512906630, ClinGen allele CA404342631.